The following is an entry in ClinVar:

ClinVar aggregate classification (germline): Uncertain significance (1 of 4 stars; one submission).

gnomAD v4.1: 8 of 1,613,126 alleles (0.0005%); highest among the groups gnomAD compares: Admixed American, 0.0033%; no homozygotes.

Submission:

CeGaT Center for Human Genetics Tuebingen
Classification: Uncertain significance. Last evaluated: 2026-06-01. Review status: criteria provided, single submitter. Criteria: CeGaT Center For Human Genetics Tuebingen Variant Classification Criteria Version 2. Collection method: clinical testing. Allele origin: germline. Affected: yes. Observed: 1 variant allele.
Comment: TTN: PM2, BP4

NM_001267550.2(TTN):c.11312-4677G>T

Gene: TTN (titin; minus strand). Cytogenetic location: 2q31.2.
Variant type: single nucleotide variant.
Coding change: c.11312-4677G>T on transcript NM_001267550.2 (MANE Select); 4677 bases into the intron before coding-DNA position 11312, G replaced by T.
Molecular consequence: intron variant. On other transcripts: missense variant (1).
Genome position (GRCh38, 1-based): chr2:178,746,598, C>A on the plus strand (G>T on the coding strand, the complement: TTN is on the minus strand). VCF-style: chr2-178746598-C-A. GRCh37 (hg19) VCF-style: chr2-179611325-C-A.
Other names: c.15802G>T, p.Ala5268Ser (NM_133379.5); c.10223-4677G>T (NM_003319.4); c.10799-4677G>T (NM_133437.4); c.10598-4677G>T (NM_133432.3); c.10360+6526G>T (NM_133378.4); c.10361-4677G>T (NM_001256850.1); short protein forms A5268S.
Identifiers: ClinVar variation 4872622 (VCV004872622.2).